The following is an entry in ClinVar:

ClinVar aggregate classification (germline): Likely benign. Review status: criteria provided, multiple submitters, no conflicts (2 of 4 stars). 3 submissions from 3 submitters: Likely benign (2). 1 of the submissions does not count toward it. Last evaluated 2024-06-04.

Conditions:
Primary ciliary dyskinesia. Also called: Ciliary dyskinesia. Identifiers: Orphanet 244, MedGen C0008780, MONDO:0016575, HP:0012265.
CCDC39-related disorder. Also called: CCDC39-related condition.

Allele frequency attached by ClinVar (database versions not stated): gnomAD 0.00001; gnomAD exomes 0.00001.
gnomAD v4.1: 18 of 1,611,756 alleles (0.0011%); highest among the groups gnomAD compares: Non-Finnish European, 0.0014%; no homozygotes.

Submissions (3):

Blueprint Genetics
Classification: Likely benign. Last evaluated: 2024-06-04. Review status: criteria provided, single submitter. Criteria: ACMG Guidelines, 2015. Collection method: clinical testing. Allele origin: germline.

Labcorp Genetics (formerly Invitae), Labcorp
Classification: Likely benign for Primary ciliary dyskinesia. Last evaluated: 2023-11-28. Review status: criteria provided, single submitter. Criteria: Invitae Variant Classification Sherloc (09022015). Collection method: clinical testing. Allele origin: germline.

PreventionGenetics, part of Exact Sciences
Classification: Likely benign for CCDC39-related condition. Last evaluated: 2021-02-02. Review status: no assertion criteria provided. Collection method: clinical testing. Allele origin: germline. Not counted in ClinVar's aggregate classification.
Comment: This variant is classified as likely benign based on ACMG/AMP sequence variant interpretation guidelines (Richards et al. 2015 PMID: 25741868, with internal and published modifications).

NM_181426.2(CCDC39):c.588T>G (p.Leu196=)

Gene: CCDC39 (coiled-coil domain 39 molecular ruler complex subunit; minus strand). Cytogenetic location: 3q26.33.
Variant type: single nucleotide variant.
Coding change: c.588T>G on transcript NM_181426.2 (MANE Select); coding-DNA position 588, T replaced by G.
Protein change: p.Leu196=; no amino-acid change (leucine 196 retained).
Molecular consequence: synonymous variant.
Genome position (GRCh38, 1-based): chr3:180,659,698, A>C on the plus strand (T>G on the coding strand, the complement: CCDC39 is on the minus strand). VCF-style: chr3-180659698-A-C. GRCh37 (hg19) VCF-style: chr3-180377486-A-C.
Other names: c.588T>G (NM_181426.1).
Identifiers: ClinVar variation 2911214 (VCV002911214.6), dbSNP rs774527897, ClinGen allele CA88636194.